The following is an entry in ClinVar:

NM_000214.3(JAG1):c.2300C>T (p.Thr767Met)

Gene: JAG1 (jagged canonical Notch ligand 1; minus strand). Cytogenetic location: 20p12.2.
Variant type: single nucleotide variant.
Coding change: c.2300C>T on transcript NM_000214.3 (MANE Select); coding-DNA position 2300, C replaced by T.
Protein change: p.Thr767Met; replaces threonine 767 with methionine.
Molecular consequence: missense variant.
Genome position (GRCh38, 1-based): chr20:10,644,907, G>A on the plus strand (C>T on the coding strand, the complement: JAG1 is on the minus strand). VCF-style: chr20-10644907-G-A. GRCh37 (hg19) VCF-style: chr20-10625555-G-A.
Other names: c.2300C>T, p.Thr767Met (LRG_1191t1); short protein forms T767M.
Identifiers: ClinVar variation 337751 (VCV000337751.29), dbSNP rs140330283, ClinGen allele CA9764562.

ClinVar aggregate classification (germline): Conflicting classifications of pathogenicity. Review status: criteria provided, conflicting classifications (1 of 4 stars). 8 submissions from 8 submitters: Uncertain significance (5); Likely benign (3). Last evaluated 2026-01-01.

Conditions:
Deafness, congenital heart defects, and posterior embryotoxon (DCHE). Identifiers: MedGen C1866053, MONDO:0060713, OMIM 617992.
Charcot-Marie-Tooth disease, axonal, Type 2HH. Also called: CHARCOT-MARIE-TOOTH NEUROPATHY, TYPE 2HH. Identifiers: MedGen C5562003, MONDO:0030458, OMIM 619574.
Tetralogy of Fallot (TOF). Identifiers: Orphanet 3303, MedGen C0039685, MONDO:0008542, OMIM 187500, HP:0001636.
Alagille syndrome due to a JAG1 point mutation. Also called: HEPATIC DUCTULAR HYPOPLASIA, SYNDROMATIC; JAG1-Related Alagille Syndrome; Alagille Syndrome 1. Identifiers: Orphanet 261619, Orphanet 52, MedGen C1956125, MONDO:0016862, OMIM 118450.
Isolated Nonsyndromic Congenital Heart Disease.
Cardiovascular phenotype. Identifiers: MedGen CN230736.
JAG1-related disorder. Also called: JAG1-related condition; JAG1-related disorders.

Allele frequency attached by ClinVar (database versions not stated): ExAC 0.00004; gnomAD 0.00006 and 0.00007; gnomAD exomes 0.00006; TOPMed 0.00008; ESP Exome Variant Server 0.00023.
gnomAD v4.1: 198 of 1,613,958 alleles (0.012%); highest among the groups gnomAD compares: Non-Finnish European, 0.015%; no homozygotes.

Submissions (8):

CeGaT Center for Human Genetics Tuebingen
Classification: Uncertain significance. Last evaluated: 2026-01-01. Review status: criteria provided, single submitter. Criteria: CeGaT Center For Human Genetics Tuebingen Variant Classification Criteria Version 2. Collection method: clinical testing. Allele origin: germline. Affected: yes. Observed: 1 variant allele.

PreventionGenetics, part of Exact Sciences
Classification: Uncertain significance for JAG1-related condition. Last evaluated: 2025-12-08. Review status: criteria provided, single submitter. Criteria: ACMG Guidelines, 2015. Collection method: clinical testing. Allele origin: germline.
Comment: The JAG1 c.2300C>T variant is predicted to result in the amino acid substitution p.Thr767Met. This variant was identified in one family of a cohort of patients presenting with clinical features of Alagille syndrome; however, the variant was found not to segregate with the symptoms and no additional clinical assessment was performed (Guegan et al. 2012. PubMed ID: 21752016). A diagnosis of Allagille syndrome in that individual was deemed unlikely and the c.2300C>T (p.Thr767Met) was reported as unlikely to be pathogenic (Guegan et al. 2012. PubMed ID: 21752016). This variant is reported in 0.011% of alleles in individuals of Latino descent in gnomAD. Although we suspect that this variant may be benign, the clinical significance of this variant is currently classified as uncertain due to the absence of conclusive functional and genetic evidence.

Labcorp Genetics (formerly Invitae), Labcorp
Classification: Likely benign for Alagille syndrome due to a JAG1 point mutation. Last evaluated: 2025-09-28. Review status: criteria provided, single submitter. Criteria: Invitae Variant Classification Sherloc (09022015). Collection method: clinical testing. Allele origin: germline.

Ambry Genetics
Classification: Uncertain significance for Cardiovascular phenotype. Last evaluated: 2024-10-08. Review status: criteria provided, single submitter. Criteria: Ambry Variant Classification Scheme 2023. Collection method: clinical testing. Allele origin: germline.
Comment: The p.T767M variant (also known as c.2300C>T), located in coding exon 18 of the JAG1 gene, results from a C to T substitution at nucleotide position 2300. The threonine at codon 767 is replaced by methionine, an amino acid with similar properties. This alteration was detected in one family in a study of suspected Alagille syndrome cases; however, the diagnosis of Alagille syndrome was unlikely after further clinical assessment, and clinical details were limited (Guegan K et al. Clin. Genet., 2012 Jul;82:33-40). This amino acid position is well conserved in available vertebrate species. In addition, the in silico prediction for this alteration is inconclusive. Since supporting evidence is limited at this time, the clinical significance of this alteration remains unclear.

Blueprint Genetics
Classification: Likely benign. Last evaluated: 2024-03-07. Review status: criteria provided, single submitter. Criteria: ACMG Guidelines, 2015. Collection method: clinical testing. Allele origin: germline.

Fulgent Genetics
Classification: Likely benign for Alagille syndrome due to a JAG1 point mutation; Tetralogy of Fallot; Deafness, congenital heart defects, and posterior embryotoxon; Charcot-Marie-Tooth disease, axonal, Type 2HH. Last evaluated: 2024-02-21. Review status: criteria provided, single submitter. Criteria: ACMG Guidelines, 2015. Collection method: clinical testing. Allele origin: germline.

Illumina Laboratory Services, Illumina
Classification: Uncertain significance for Isolated Nonsyndromic Congenital Heart Disease. Last evaluated: 2018-01-13. Review status: criteria provided, single submitter. Criteria: ICSL Variant Classification Criteria 13 December 2019. Collection method: clinical testing. Allele origin: germline.

Eurofins Ntd Llc (ga)
Classification: Uncertain significance. Last evaluated: 2017-11-20. Review status: criteria provided, single submitter. Criteria: EGL Classification Definitions 2015. Collection method: clinical testing. Allele origin: germline. Observed: 1 variant allele, 1 heterozygote.

Literature cited by the submitters: PubMed 21752016 (cited by Ambry Genetics).